The following is an entry in ClinVar:

NM_001379500.1(COL18A1):c.1139C>G (p.Pro380Arg)

Gene: COL18A1 (collagen type XVIII alpha 1 chain; plus strand). Cytogenetic location: 21q22.3.
Variant type: single nucleotide variant.
Coding change: c.1139C>G on transcript NM_001379500.1 (MANE Select); coding-DNA position 1139, C replaced by G.
Protein change: p.Pro380Arg; replaces proline 380 with arginine.
Molecular consequence: missense variant.
Genome position (GRCh38, 1-based): chr21:45,477,883, C>G. VCF-style: chr21-45477883-C-G. GRCh37 (hg19) VCF-style: chr21-46897797-C-G.
Other names: NM_130445.2:c.1139C>G; c.1679C>G, p.Pro560Arg (NM_030582.4); c.2384C>G, p.Pro795Arg (NM_130444.3); short protein forms P560R, P380R, P795R.
Identifiers: ClinVar variation 1391469 (VCV001391469.6), dbSNP rs768284186, ClinGen allele CA321916461.

ClinVar aggregate classification (germline): Uncertain significance. Review status: criteria provided, multiple submitters, no conflicts (2 of 4 stars). 2 submissions from 2 submitters: Uncertain significance (2). Last evaluated 2026-02-02.

Conditions:
Inborn genetic diseases. Identifiers: MedGen C0950123, MeSH D030342.

Allele frequency attached by ClinVar (database versions not stated): gnomAD exomes 0.00001 and 0.00003; gnomAD 0.00002; TOPMed 0.00002.
gnomAD v4.1: 39 of 1,560,102 alleles (0.0025%); highest among the groups gnomAD compares: Non-Finnish European, 0.0034%; no homozygotes.

Submissions (2):

Labcorp Genetics (formerly Invitae), Labcorp
Classification: Uncertain significance. Last evaluated: 2026-02-02. Review status: criteria provided, single submitter. Criteria: Invitae Variant Classification Sherloc (09022015). Collection method: clinical testing. Allele origin: germline.
Comment: This sequence change replaces proline, which is neutral and non-polar, with arginine, which is basic and polar, at codon 380 of the COL18A1 protein (p.Pro380Arg). This variant is present in population databases (rs768284186, gnomAD 0.002%). This variant has not been reported in the literature in individuals affected with COL18A1-related conditions. ClinVar contains an entry for this variant (Variation ID: 1391469). Experimental studies and prediction algorithms are not available or were not evaluated, and the functional significance of this variant is currently unknown. In summary, the available evidence is currently insufficient to determine the role of this variant in disease. Therefore, it has been classified as a Variant of Uncertain Significance.

Ambry Genetics
Classification: Uncertain significance for Inborn genetic diseases. Last evaluated: 2023-02-22. Review status: criteria provided, single submitter. Criteria: Ambry Variant Classification Scheme 2023. Collection method: clinical testing. Allele origin: germline.